The following is an entry in ClinVar:

NM_000081.4(LYST):c.9959G>A (p.Arg3320Gln)

Genes: LYST (lysosomal trafficking regulator; minus strand), LOC126806063 (MED14-independent group 3 enhancer GRCh37_chr1:235871544-235872743; plus strand). Cytogenetic location: 1q42.3.
Variant type: single nucleotide variant.
Coding change: c.9959G>A on transcript NM_000081.4 (MANE Select); coding-DNA position 9959, G replaced by A.
Protein change: p.Arg3320Gln; replaces arginine 3320 with glutamine.
Molecular consequence: missense variant.
Genome position (GRCh38, 1-based): chr1:235,709,275, C>T on the plus strand (G>A on the coding strand, the complement: LYST is on the minus strand). VCF-style: chr1-235709275-C-T. GRCh37 (hg19) VCF-style: chr1-235872575-C-T.
Other names: p.Arg3320Gln; c.9959G>A, p.Arg3320Gln (NM_001301365.1); short protein forms R3320Q.
Identifiers: ClinVar variation 4542356 (VCV004542356.1).

ClinVar aggregate classification (germline): Uncertain significance (1 of 4 stars; one submission).

gnomAD v4.1: 9 of 1,613,842 alleles (0.00056%); highest among the groups gnomAD compares: South Asian, 0.0011%; no homozygotes.

Submission:

Mayo Clinic Laboratories, Mayo Clinic
Classification: Uncertain significance. Last evaluated: 2025-10-31. Review status: criteria provided, single submitter. Criteria: ACMG Guidelines, 2015. Collection method: clinical testing. Allele origin: germline. Observed: 1 variant allele.
Comment: PM2_supporting, PM3_supporting

Literature cited by the submitters: PubMed 30103613.